The following is an entry in ClinVar:

ClinVar aggregate classification (germline): Pathogenic. Review status: criteria provided, multiple submitters, no conflicts (2 of 4 stars). 18 submissions from 18 submitters: Pathogenic (15). 3 of the submissions do not count toward it. Last evaluated 2026-03-04.

Conditions:
DHCR7-related disorder. Also called: DHCR7-related condition.
Inborn genetic diseases. Identifiers: MedGen C0950123, MeSH D030342.
Smith-Lemli-Opitz syndrome (SLOS). Also called: LETHAL ACRODYSGENITAL SYNDROME; 7-Dehydrocholesterol reductase deficiency; POLYDACTYLY, SEX REVERSAL, RENAL HYPOPLASIA, AND UNILOBAR LUNG; RSH SYNDROME; RUTLEDGE LETHAL MULTIPLE CONGENITAL ANOMALY SYNDROME. Identifiers: Orphanet 818, MedGen C0175694, MONDO:0010035, OMIM 270400.

Allele frequency attached by ClinVar (database versions not stated): ExAC 0.00004; gnomAD exomes 0.00007; TOPMed 0.00002.
gnomAD v4.1: 54 of 1,610,856 alleles (0.0034%); highest among the groups gnomAD compares: Admixed American, 0.023%; no homozygotes.

Submissions 1 to 10 of 18:

Dasa
Classification: Pathogenic. Last evaluated: 2026-03-04. Review status: criteria provided, single submitter. Criteria: DASA Assertion Criteria. Collection method: clinical testing. Allele origin: germline.
Comment: NM_001360.3(DHCR7):c.1228G>A (p.Gly410Ser) is a missense variant that results in the substitution of glycine with serine. The affected residue or protein region has prior evidence supporting clinical relevance. This variant has been observed in affected individuals with related phenotype in a genotype context consistent with recessive disease (PMID: 9653161; PMID: 17965227; PMID: 19390132; PMID: 31840946; PMID: 15952211). Functional evidence supports a deleterious effect on the gene or gene product (PMID: 9653161; PMID: 17965227; PMID: 19390132; PMID: 31840946; PMID: 15952211). This variant has been recurrently observed in individuals with related phenotype (PMID: 9653161; PMID: 17965227; PMID: 19390132; PMID: 31840946; PMID: 15952211). Multiple computational predictions support a deleterious effect on the gene or gene product. The variant is present at low frequency in population datasets. Based on the available data, this variant is classified as pathogenic.

CeGaT Center for Human Genetics Tuebingen
Classification: Pathogenic. Last evaluated: 2026-03-01. Review status: criteria provided, single submitter. Criteria: CeGaT Center For Human Genetics Tuebingen Variant Classification Criteria Version 2. Collection method: clinical testing. Allele origin: germline. Affected: yes. Observed: 1 variant allele.
Comment: DHCR7: PM3:Very Strong, PM2, PM5, PP3

Labcorp Genetics (formerly Invitae), Labcorp
Classification: Pathogenic for Smith-Lemli-Opitz syndrome. Last evaluated: 2026-01-26. Review status: criteria provided, single submitter. Criteria: Invitae Variant Classification Sherloc (09022015). Collection method: clinical testing. Allele origin: germline.
Comment: This sequence change replaces glycine, which is neutral and non-polar, with serine, which is neutral and polar, at codon 410 of the DHCR7 protein (p.Gly410Ser). This variant is present in population databases (rs80338862, gnomAD 0.03%). This missense change has been observed in individuals with Smith-Lemli-Opitz syndrome (PMID: 9653161, 12818773, 15896653). ClinVar contains an entry for this variant (Variation ID: 21272). Invitae Evidence Modeling of protein sequence and biophysical properties (such as structural, functional, and spatial information, amino acid conservation, physicochemical variation, residue mobility, and thermodynamic stability) indicates that this missense variant is expected to disrupt DHCR7 protein function with a positive predictive value of 95%. Experimental studies have shown that this missense change affects DHCR7 function (PMID: 9653161). This variant disrupts the p.Gly410 amino acid residue in DHCR7. Other variant(s) that disrupt this residue have been observed in individuals with DHCR7-related conditions (PMID: 10677299), which suggests that this may be a clinically significant amino acid residue. For these reasons, this variant has been classified as Pathogenic.

PreventionGenetics, part of Exact Sciences
Classification: Pathogenic for DHCR7-related condition. Last evaluated: 2026-01-16. Review status: criteria provided, single submitter. Criteria: ACMG Guidelines, 2015. Collection method: clinical testing. Allele origin: germline.
Comment: The DHCR7 c.1228G>A variant is predicted to result in the amino acid substitution p.Gly410Ser. This variant has been reported, in the homozygous or compound heterozygous state, in individuals with clinical and/or biochemical diagnoses of Smith-Lemli-Opitz syndrome (SLOS) (see for example, Fitzky et al. 1998. PubMed ID: 9653161; Kozák et al. 2000. PubMed ID: 10896306; Witsch-Baumgartner et al. 2000. PubMed ID: 10677299; Wassif et al. 2005. PubMed ID: 15896653). Expression studies in a human cell line show the p.Gly410Ser substitution decreases protein expression by >90% relative to control (Fitzky et al. 1998. PubMed ID: 9653161). Additionally, a different substitution of the same amino acid (p.Gly410Arg) has also been reported in association with SLOS (Witsch-Baumgartner et al. 2000. PubMed ID: 10677299). The c.1228G>A (p.Gly410Ser) variant is reported in 0.032% of alleles in individuals of Latino descent in gnomAD. Taken together, this variant is interpreted as pathogenic.

Intergen Genetics and Rare Diseases Diagnosis Center
Classification: Pathogenic for Smith-Lemli-Opitz syndrome. Last evaluated: 2025-11-28. Review status: criteria provided, single submitter. Criteria: ACMG Guidelines, 2015. Collection method: clinical testing. Allele origin: germline. Inheritance: Autosomal recessive inheritance. Affected: no.
Comment: PM3_VS, PS3_P, PM2_P, PP3_S

Natera, Inc.
Classification: Pathogenic for Smith-Lemli-Opitz syndrome. Last evaluated: 2025-11-10. Review status: criteria provided, single submitter. Criteria: Natera Variant Classification Schema (03/2026). Collection method: clinical testing. Allele origin: germline.
Comment: The c.1228G>A variant in DHCR7 is a missense variant predicted to cause substitution of glycine to serine at amino acid 410. This variant is rare in the general population with a frequency below the threshold expected for the associated phenotype(s). This variant has been observed in one or more individuals affected with the associated recessive disease, as either homozygous or compound heterozygous with a second variant (PMID: 17237122, 19390132). Computational prediction algorithms indicate this variant is likely to affect gene or protein function. Given the available evidence, this variant is classified as Pathogenic.

Mayo Clinic Laboratories, Mayo Clinic
Classification: Pathogenic. Last evaluated: 2024-12-23. Review status: criteria provided, single submitter. Criteria: ACMG Guidelines, 2015. Collection method: clinical testing. Allele origin: germline. Observed: 1 variant allele.
Comment: PP3_strong, PM2_supporting, PM3_very_strong, PS3

Fulgent Genetics
Classification: Pathogenic for Smith-Lemli-Opitz syndrome. Last evaluated: 2024-03-06. Review status: criteria provided, single submitter. Criteria: ACMG Guidelines, 2015. Collection method: clinical testing. Allele origin: germline.

Victorian Clinical Genetics Services, Murdoch Childrens Research Institute
Classification: Pathogenic for Smith-Lemli-Opitz syndrome. Last evaluated: 2023-07-17. Review status: criteria provided, single submitter. Criteria: ACMG Guidelines, 2015. Collection method: clinical testing. Allele origin: germline. Inheritance: Autosomal recessive inheritance. Affected: no.
Comment: Based on the classification scheme VCGS_Germline_v1.3.4, this variant is classified as Pathogenic. Following criteria are met: 0102 - Loss of function is a known mechanism of disease in this gene and is associated with Smith-Lemli-Opitz syndrome (MIM#270400). (I) 0106 - This gene is associated with autosomal recessive disease. (I) 0115 - Variants in this gene are known to have variable expressivity. Exceptionally mild and severe cases have been reported, with intra and interfamilial variable expressivity (PMID: 35305950). (I) 0200 - Variant is predicted to result in a missense amino acid change from glycine to serine. (I) 0251 - This variant is heterozygous. (I) 0304 - Variant is present in gnomAD <0.01 for a recessive condition (v2 & v3: 22 heterozygotes, 0 homozygotes). (SP) 0309 - An alternative amino acid change at the same position has been observed in gnomAD (v2 & v3: 2 heterozygotes, 0 homozygotes). (I) 0501 - Missense variant consistently predicted to be damaging by multiple in silico tools or highly conserved with a major amino acid change. (SP) 0600 - Variant is located in the annotated ERG4_ERG24 domain (DECIPHER). (I) 0801 - This variant has very strong previous evidence of pathogenicity in unrelated individuals. It has been identified in individuals with Smith-Lemli-Opitz syndrome (PMID: 23042628) and it is regarded as likely pathogenic or pathogenic by multiple diagnostic laboratories in ClinVar. (SP) 1208 - Inheritance information for this variant is not currently available in this individual. (I) Legend: (SP) - Supporting pathogenic, (I) - Information, (SB) - Supporting benign

Ambry Genetics
Classification: Pathogenic for Inborn genetic diseases. Last evaluated: 2022-11-22. Review status: criteria provided, single submitter. Criteria: Ambry Variant Classification Scheme 2023. Collection method: clinical testing. Allele origin: germline.
Comment: The c.1228G>A (p.G410S) alteration is located in exon 9 (coding exon 7) of the DHCR7 gene. This alteration results from a G to A substitution at nucleotide position 1228, causing the glycine (G) at amino acid position 410 to be replaced by a serine (S). Based on data from gnomAD, the A allele has an overall frequency of 0.007% (18/246180) total alleles studied. The highest observed frequency was 0.032% (11/34440) of Latino alleles. This alteration has been detected in both the homozygous and compound heterozygous states in multiple individuals with Smith-Lemli-Opitz syndrome (SLOS) (Schoner, 2020; Wojcik, 2019; Kalb, 2012; Haas, 2007; Boland, 2016; Kolej&aacute;kov&aacute;, 2009; Scalco, 2005; Babovic-Vuksanovic, 2005; Wassif, 2005; Shim, 2004; Yu, 2000; Kozak, 2000; Fitzky,1998). This amino acid position is highly conserved in available vertebrate species. In two separate functional studies, this alteration was shown to reduce DHCR7 protein expression and enzymatic activity (Fitzky, 1998; Shim, 2004). This alteration is predicted to be deleterious by in silico analysis. Based on the available evidence, this alteration is classified as pathogenic.

NM_001360.3(DHCR7):c.1228G>A (p.Gly410Ser)

Gene: DHCR7 (7-dehydrocholesterol reductase; minus strand). Cytogenetic location: 11q13.4.
Variant type: single nucleotide variant.
Coding change: c.1228G>A on transcript NM_001360.3 (MANE Select); coding-DNA position 1228, G replaced by A.
Protein change: p.Gly410Ser; replaces glycine 410 with serine.
Molecular consequence: missense variant.
Genome position (GRCh38, 1-based): chr11:71,435,575, C>T on the plus strand (G>A on the coding strand, the complement: DHCR7 is on the minus strand). VCF-style: chr11-71435575-C-T. GRCh37 (hg19) VCF-style: chr11-71146621-C-T.
Other names: c.1228G>A, p.Gly410Ser (NM_001163817.2); short protein forms G410S.
Identifiers: ClinVar variation 21272 (VCV000021272.78), dbSNP rs80338862, ClinGen allele CA221650.
Genomic context (GRCh38, chr11:71,435,575, plus strand): 5'-AGGGCAGCAGGTGGCCGCCGCCACAGGCCAGGCAGTAGGCCAGGCTGCCCATCAGGTCGC[C>T]GACGTAGTTGAAGTGGCGGGCCACGCCCCAGAAGCCCGACACCAGCAGCTTGCTGTGGTG-3'
Protein context (NP_001351.2, residues 400-420): WGVARHFNYV[Gly410Ser]DLMGSLAYCL